The following is an entry in ClinVar:

ClinVar aggregate classification (germline): Uncertain significance (1 of 4 stars; one submission).

Conditions:
Chondrodysplasia punctata, brachytelephalangic, autosomal. Also called: BRACHYTELEPHALANGIC CHONDRODYSPLASIA PUNCTATA. Identifiers: MedGen C1844853, MONDO:0011238, OMIM 602497.

gnomAD v4.1: 3 of 1,209,518 alleles (0.00025%); highest among the groups gnomAD compares: African/African-American, 0.0053%; no homozygotes.

Submission:

Labcorp Genetics (formerly Invitae), Labcorp
Classification: Uncertain significance for Chondrodysplasia punctata, brachytelephalangic, autosomal. Last evaluated: 2025-06-27. Review status: criteria provided, single submitter. Criteria: Invitae Variant Classification Sherloc (09022015). Collection method: clinical testing. Allele origin: germline.
Comment: This sequence change replaces glutamine, which is neutral and polar, with arginine, which is basic and polar, at codon 542 of the ARSE protein (p.Gln542Arg). This variant is present in population databases (rs139173612, gnomAD 0.008%). This variant has not been reported in the literature in individuals affected with ARSE-related conditions. Invitae Evidence Modeling of protein sequence and biophysical properties (such as structural, functional, and spatial information, amino acid conservation, physicochemical variation, residue mobility, and thermodynamic stability) indicates that this missense variant is not expected to disrupt ARSE protein function with a negative predictive value of 80%. In summary, the available evidence is currently insufficient to determine the role of this variant in disease. Therefore, it has been classified as a Variant of Uncertain Significance.

NM_000047.3(ARSL):c.1625A>G (p.Gln542Arg)

Gene: ARSL (arylsulfatase L; minus strand). Cytogenetic location: Xp22.33.
Variant type: single nucleotide variant.
Coding change: c.1625A>G on transcript NM_000047.3 (MANE Select); coding-DNA position 1625, A replaced by G.
Protein change: p.Gln542Arg; replaces glutamine 542 with arginine.
Molecular consequence: missense variant.
Genome position (GRCh38, 1-based): chrX:2,934,977, T>C on the plus strand (A>G on the coding strand, the complement: ARSL is on the minus strand). VCF-style: chrX-2934977-T-C. GRCh37 (hg19) VCF-style: chrX-2853018-T-C.
Other names: c.1700A>G, p.Gln567Arg (NM_001282628.2, NM_001369080.1); c.1463A>G, p.Gln488Arg (NM_001282631.2, NM_001440750.1); c.1652A>G, p.Gln551Arg (NM_001369079.1); c.1625A>G, p.Gln542Arg (NM_001440751.1); short protein forms Q488R, Q542R, Q551R, Q567R.
Identifiers: ClinVar variation 4805654 (VCV004805654.1).